The following is an entry in ClinVar:

ClinVar aggregate classification (germline): Uncertain significance. Review status: criteria provided, multiple submitters, no conflicts (2 of 4 stars). 5 submissions from 5 submitters: Uncertain significance (5). Last evaluated 2024-06-11.

Conditions:
Donnai-Barrow syndrome. Also called: DBS/FOAR SYNDROME; FACIOOCULOACOUSTICORENAL SYNDROME. Identifiers: Orphanet 2143, MedGen C1857277, MONDO:0009104, OMIM 222448.
Inborn genetic diseases. Identifiers: MedGen C0950123, MeSH D030342.

Allele frequency attached by ClinVar (database versions not stated): gnomAD exomes 0.00001 and 0.00004; ExAC 0.00006; gnomAD 0.00010 and 0.00011; TOPMed 0.00014; ESP Exome Variant Server 0.00023; 1000 Genomes Project 0.00040; 1000 Genomes Project 30x 0.00094.
gnomAD v4.1: 29 of 1,613,454 alleles (0.0018%); highest among the groups gnomAD compares: African/African-American, 0.033%; no homozygotes.

Submissions (5):

Ambry Genetics
Classification: Uncertain significance for Inborn genetic diseases. Last evaluated: 2024-06-11. Review status: criteria provided, single submitter. Criteria: Ambry Variant Classification Scheme 2023. Collection method: clinical testing. Allele origin: germline.

Fulgent Genetics
Classification: Uncertain significance for Donnai-Barrow syndrome. Last evaluated: 2024-04-24. Review status: criteria provided, single submitter. Criteria: ACMG Guidelines, 2015. Collection method: clinical testing. Allele origin: germline.

Labcorp Genetics (formerly Invitae), Labcorp
Classification: Uncertain significance. Last evaluated: 2024-01-19. Review status: criteria provided, single submitter. Criteria: Invitae Variant Classification Sherloc (09022015). Collection method: clinical testing. Allele origin: germline.
Comment: This sequence change replaces leucine, which is neutral and non-polar, with phenylalanine, which is neutral and non-polar, at codon 4055 of the LRP2 protein (p.Leu4055Phe). This variant is present in population databases (rs142650566, gnomAD 0.05%). This variant has not been reported in the literature in individuals affected with LRP2-related conditions. ClinVar contains an entry for this variant (Variation ID: 332086). Advanced modeling of protein sequence and biophysical properties (such as structural, functional, and spatial information, amino acid conservation, physicochemical variation, residue mobility, and thermodynamic stability) has been performed at Invitae for this missense variant, however the output from this modeling did not meet the statistical confidence thresholds required to predict the impact of this variant on LRP2 protein function. In summary, the available evidence is currently insufficient to determine the role of this variant in disease. Therefore, it has been classified as a Variant of Uncertain Significance.

Blueprint Genetics
Classification: Uncertain significance. Last evaluated: 2018-08-21. Review status: criteria provided, single submitter. Criteria: ACMG Guidelines, 2015. Collection method: clinical testing. Allele origin: germline.

Illumina Laboratory Services, Illumina
Classification: Uncertain significance for Donnai-Barrow syndrome. Last evaluated: 2018-01-12. Review status: criteria provided, single submitter. Criteria: ICSL Variant Classification Criteria 13 December 2019. Collection method: clinical testing. Allele origin: germline.

NM_004525.3(LRP2):c.12165G>C (p.Leu4055Phe)

Gene: LRP2 (LDL receptor related protein 2; minus strand). Cytogenetic location: 2q31.1.
Variant type: single nucleotide variant.
Coding change: c.12165G>C on transcript NM_004525.3 (MANE Select); coding-DNA position 12165, G replaced by C.
Protein change: p.Leu4055Phe; replaces leucine 4055 with phenylalanine.
Molecular consequence: missense variant.
Genome position (GRCh38, 1-based): chr2:169,154,590, C>G on the plus strand (G>C on the coding strand, the complement: LRP2 is on the minus strand). VCF-style: chr2-169154590-C-G. GRCh37 (hg19) VCF-style: chr2-170011100-C-G.
Other names: short protein forms L4055F.
Identifiers: ClinVar variation 332086 (VCV000332086.14), dbSNP rs142650566, ClinGen allele CA1952865.